The following is an entry in ClinVar:

NR_001566.3(TERC):n.180C>T

Genes: TERC (telomerase RNA component; minus strand), LOC110806306 (telomerase RNA component (TERC) promoter; plus strand). Cytogenetic location: 3q26.2.
Variant type: single nucleotide variant.
Genome position: GRCh38 VCF-style: chr3-169764881-G-A. GRCh37 (hg19) VCF-style: chr3-169482669-G-A.
Other names: NR_001566.1:r.180c>u (C180T).
Identifiers: ClinVar variation 39284 (VCV000039284.3), dbSNP rs199422276, ClinGen allele CA343756.

ClinVar aggregate classification (germline): Pathogenic (0 of 4 stars; one submission).

Conditions:
Aplastic anemia. Identifiers: Orphanet 182040, Orphanet 88, MedGen C0002874, MONDO:0015909, OMIM 609135, HP:0001915.

Allele frequency attached by ClinVar (database versions not stated): TOPMed below 0.00001.

Submission:

GeneReviews
Classification: Pathogenic for Dyskeratosis Congenita. Last evaluated: 2012-05-10. Review status: no assertion criteria provided. Collection method: curation. Allele origin: unknown.
ClinVar note: Converted during submission from pathologic to Pathogenic.